The following is an entry in ClinVar:

ClinVar aggregate classification (germline): Uncertain significance (1 of 4 stars; one submission).

Conditions:
Familial adenomatous polyposis 1 (FAP1). Also called: FAMILIAL ADENOMATOUS POLYPOSIS 1, ATTENUATED; POLYPOSIS, ADENOMATOUS INTESTINAL. Identifiers: MedGen C2713442, MONDO:0021056, OMIM 175100. Disease mechanism: loss of function.

Submission:

Labcorp Genetics (formerly Invitae), Labcorp
Classification: Uncertain significance for Familial adenomatous polyposis 1. Last evaluated: 2022-07-11. Review status: criteria provided, single submitter. Criteria: Invitae Variant Classification Sherloc (09022015). Collection method: clinical testing. Allele origin: germline.
Comment: In summary, the available evidence is currently insufficient to determine the role of this variant in disease. Therefore, it has been classified as a Variant of Uncertain Significance. Algorithms developed to predict the effect of missense changes on protein structure and function (SIFT, PolyPhen-2, Align-GVGD) all suggest that this variant is likely to be disruptive. This variant has not been reported in the literature in individuals affected with APC-related conditions. This variant is not present in population databases (gnomAD no frequency). This sequence change replaces glutamic acid, which is acidic and polar, with glycine, which is neutral and non-polar, at codon 582 of the APC protein (p.Glu582Gly).

NM_000038.6(APC):c.1745A>G (p.Glu582Gly)

Gene: APC (APC regulator of Wnt signaling pathway; plus strand). Cytogenetic location: 5q22.2.
Variant type: single nucleotide variant.
Coding change: c.1745A>G on transcript NM_000038.6 (MANE Select); coding-DNA position 1745, A replaced by G.
Protein change: p.Glu582Gly; replaces glutamic acid 582 with glycine.
Molecular consequence: missense variant.
Genome position (GRCh38, 1-based): chr5:112,834,952, A>G. VCF-style: chr5-112834952-A-G. GRCh37 (hg19) VCF-style: chr5-112170649-A-G.
Other names: c.1745A>G, p.Glu582Gly (NM_001127510.3, NM_001354895.2, NM_001407450.1); c.1691A>G, p.Glu564Gly (NM_001127511.3); c.1799A>G, p.Glu600Gly (NM_001354896.2, NM_001407447.1, NM_001407448.1 and 1 more transcripts); c.1775A>G, p.Glu592Gly (NM_001354897.2); c.1670A>G, p.Glu557Gly (NM_001354898.2); c.1661A>G, p.Glu554Gly (NM_001354899.2); c.1622A>G, p.Glu541Gly (NM_001354900.2); c.1568A>G, p.Glu523Gly (NM_001354901.2, NM_001407453.1); and 11 more; short protein forms E499G, E523G, E541G, E582G, E610G, E422G, E453G, E456G.
Identifiers: ClinVar variation 2009779 (VCV002009779.4), dbSNP rs2149840754, ClinGen allele CA16025130.